The following is an entry in ClinVar:

ClinVar aggregate classification (germline): Uncertain significance (1 of 4 stars; one submission).

Conditions:
Ehlers-Danlos syndrome, spondylodysplastic type, 2 (EDSSPD2). Also called: Ehlers-Danlos syndrome, progeroid type, 2. Identifiers: Orphanet 536467, Orphanet 75496, MedGen C3809210, MONDO:0014139, OMIM 615349.

Submission:

Baylor Genetics
Classification: Uncertain significance for Ehlers-Danlos syndrome, spondylodysplastic type, 2. Last evaluated: 2020-06-03. Review status: criteria provided, single submitter. Criteria: ACMG Guidelines, 2015. Collection method: clinical testing. Allele origin: unknown. Affected: yes.
Comment: This variant was determined to be of uncertain significance according to ACMG Guidelines, 2015 [PMID:25741868].

NM_080605.4(B3GALT6):c.484C>T (p.Arg162Trp)

Gene: B3GALT6 (beta-1,3-galactosyltransferase 6; plus strand). Cytogenetic location: 1p36.33.
Variant type: single nucleotide variant.
Coding change: c.484C>T on transcript NM_080605.4 (MANE Select); coding-DNA position 484, C replaced by T.
Protein change: p.Arg162Trp; replaces arginine 162 with tryptophan.
Molecular consequence: missense variant.
Genome position (GRCh38, 1-based): chr1:1,232,762, C>T. VCF-style: chr1-1232762-C-T. GRCh37 (hg19) VCF-style: chr1-1168142-C-T.
Other names: short protein forms R162W.
Identifiers: ClinVar variation 1031060 (VCV001031060.1), dbSNP rs1638554377, ClinGen allele CA337825962.
Genomic context (GRCh38, chr1:1,232,762, plus strand): 5'-TGGCTGGACGAGCACGTGGCCTTCGAGTTCGTGCTCAAGGCGGACGACGACTCCTTCGCG[C>T]GGCTGGACGCGCTGCTGGCCGAGCTGCGCGCCCGCGAGCCCGCGCGCCGCCGCCGCCTCT-3'
Protein context (NP_542172.2, residues 152-172): VLKADDDSFA[Arg162Trp]LDALLAELRA